The following is an entry in ClinVar:

ClinVar aggregate classification (germline): Uncertain significance (1 of 4 stars; one submission).

Conditions:
SCN2A-related disorder. Also called: SCN2A-related condition; SCN2A-related disorders. Identifiers: MedGen CN382226, MONDO:1060245.

Submission:

Rady Children's Institute for Genomic Medicine, Rady Children's Hospital San Diego
Classification: Uncertain significance for SCN2A-related disorders. Last evaluated: 2022-03-03. Review status: criteria provided, single submitter. Criteria: ACMG Guidelines, 2015. Collection method: clinical testing. Allele origin: germline. Affected: yes.
Comment: This variant has not been previously reported or functionally characterized in the literature to our knowledge. The SCN2A gene is constrained against variation (Z-score= 6.46 and pLI = 1), and missense variants are a common mechanism of disease (HGMD, ClinVar, PMID: 31924505). The c.1892C>A (p.Ala631Asp) variant is absent from the gnomAD population database and thus presumed to be rare. It affects a moderately conserved amino acid. In silico tools disagree on the predicted effect of this variant on protein function. Based on the available evidence, the c.1892C>A (p.Ala631Asp) variant is classified as a Variant of Uncertain Significance.

Literature cited by the submitters: PubMed 31924505.

NM_001040142.2(SCN2A):c.1892C>A (p.Ala631Asp)

Gene: SCN2A (sodium voltage-gated channel alpha subunit 2; plus strand). Cytogenetic location: 2q24.3.
Variant type: single nucleotide variant.
Coding change: c.1892C>A on transcript NM_001040142.2 (MANE Select); coding-DNA position 1892, C replaced by A.
Protein change: p.Ala631Asp; replaces alanine 631 with aspartic acid.
Molecular consequence: missense variant.
Genome position (GRCh38, 1-based): chr2:165,323,376, C>A. VCF-style: chr2-165323376-C-A. GRCh37 (hg19) VCF-style: chr2-166179886-C-A.
Other names: c.1892C>A, p.Ala631Asp (NM_001040143.2, NM_001371246.1, NM_001371247.1 and 1 more transcripts); short protein forms A631D.
Identifiers: ClinVar variation 4814187 (VCV004814187.1).